The following is an entry in ClinVar:

NM_004655.4(AXIN2):c.922A>T (p.Thr308Ser)

Gene: AXIN2 (axin 2; minus strand). Cytogenetic location: 17q24.1.
Variant type: single nucleotide variant.
Coding change: c.922A>T on transcript NM_004655.4 (MANE Select); coding-DNA position 922, A replaced by T.
Protein change: p.Thr308Ser; replaces threonine 308 with serine.
Molecular consequence: missense variant.
Genome position (GRCh38, 1-based): chr17:65,549,554, T>A on the plus strand (A>T on the coding strand, the complement: AXIN2 is on the minus strand). VCF-style: chr17-65549554-T-A. GRCh37 (hg19) VCF-style: chr17-63545672-T-A.
Other names: c.922A>T, p.Thr308Ser (NM_001363813.1); short protein forms T308S.
Identifiers: ClinVar variation 1766256 (VCV001766256.2), dbSNP rs2544217727, ClinGen allele CA400679491.

ClinVar aggregate classification (germline): Uncertain significance (1 of 4 stars; one submission).

Conditions:
Hereditary cancer-predisposing syndrome. Also called: Neoplastic Syndromes, Hereditary; Tumor predisposition; Hereditary Cancer Syndrome; Hereditary neoplastic syndrome. Identifiers: Orphanet 140162, MedGen C0027672, MeSH D009386, MONDO:0015356.

Submission:

Ambry Genetics
Classification: Uncertain significance for Hereditary cancer-predisposing syndrome. Last evaluated: 2021-01-29. Review status: criteria provided, single submitter. Criteria: Ambry Variant Classification Scheme 2023. Collection method: clinical testing. Allele origin: germline.
Comment: The p.T308S variant (also known as c.922A>T), located in coding exon 2 of the AXIN2 gene, results from an A to T substitution at nucleotide position 922. The threonine at codon 308 is replaced by serine, an amino acid with similar properties. This amino acid position is highly conserved in available vertebrate species. In addition, the in silico prediction for this alteration is inconclusive. Since supporting evidence is limited at this time, the clinical significance of this alteration remains unclear.